The following is an entry in ClinVar:

NM_001371623.1(TCOF1):c.3242C>T (p.Ala1081Val)

Gene: TCOF1 (treacle ribosome biogenesis factor 1; plus strand). Cytogenetic location: 5q32.
Variant type: single nucleotide variant.
Coding change: c.3242C>T on transcript NM_001371623.1 (MANE Select); coding-DNA position 3242, C replaced by T.
Protein change: p.Ala1081Val; replaces alanine 1081 with valine.
Molecular consequence: missense variant. On other transcripts: intron variant (3).
Genome position (GRCh38, 1-based): chr5:150,391,602, C>T. VCF-style: chr5-150391602-C-T. GRCh37 (hg19) VCF-style: chr5-149771165-C-T.
Other names: c.3011C>T, p.Ala1004Val (NM_000356.4, NM_001135245.2); c.3242C>T, p.Ala1081Val (NM_001135243.2); c.3184-355C>T (NM_001135244.2, NM_001195141.2); c.3064-355C>T (NM_001437406.1); short protein forms A1004V, A1081V.
Identifiers: ClinVar variation 4768752 (VCV004768752.1).

ClinVar aggregate classification (germline): Uncertain significance (1 of 4 stars; one submission).

Conditions:
Treacher Collins syndrome 1 (TCS1). Also called: TCOF1-Related Treacher Collins Syndrome. Identifiers: Orphanet 861, MedGen CN315775, MONDO:0007944, OMIM 154500.

Submission:

Labcorp Genetics (formerly Invitae), Labcorp
Classification: Uncertain significance for Treacher Collins syndrome 1. Last evaluated: 2025-10-29. Review status: criteria provided, single submitter. Criteria: Invitae Variant Classification Sherloc (09022015). Collection method: clinical testing. Allele origin: germline.
Comment: This sequence change replaces alanine, which is neutral and non-polar, with valine, which is neutral and non-polar, at codon 1081 of the TCOF1 protein (p.Ala1081Val). This variant is not present in population databases (gnomAD no frequency). This variant has not been reported in the literature in individuals affected with TCOF1-related conditions. An algorithm developed to predict the effect of missense changes on protein structure and function (PolyPhen-2) suggests that this variant is likely to be disruptive. In summary, the available evidence is currently insufficient to determine the role of this variant in disease. Therefore, it has been classified as a Variant of Uncertain Significance.